The following is an entry in ClinVar:

NM_001271.4(CHD2):c.5027G>A (p.Gly1676Glu)

Gene: CHD2 (chromodomain helicase DNA binding protein 2; plus strand). Cytogenetic location: 15q26.1.
Variant type: single nucleotide variant.
Coding change: c.5027G>A on transcript NM_001271.4 (MANE Select); coding-DNA position 5027, G replaced by A.
Protein change: p.Gly1676Glu; replaces glycine 1676 with glutamic acid.
Molecular consequence: missense variant.
Genome position (GRCh38, 1-based): chr15:93,020,132, G>A. VCF-style: chr15-93020132-G-A. GRCh37 (hg19) VCF-style: chr15-93563362-G-A.
Other names: short protein forms G1676E.
Identifiers: ClinVar variation 940592 (VCV000940592.10), dbSNP rs150951454, ClinGen allele CA7748625.

ClinVar aggregate classification (germline): Likely pathogenic. Review status: criteria provided, multiple submitters, no conflicts (2 of 4 stars). 3 submissions from 3 submitters: Likely pathogenic (2). 1 of the submissions does not count toward it. Last evaluated 2025-01-30.

Conditions:
Developmental and epileptic encephalopathy 94 (DEE94). Also called: Epileptic encephalopathy, childhood-onset; CHD2-Related Neurodevelopmental Disorders. Identifiers: Orphanet 1942, Orphanet 2382, MedGen C3809278, MONDO:0014150, OMIM 615369.

Allele frequency attached by ClinVar (database versions not stated): gnomAD exomes 0.00003 and 0.00004; TOPMed 0.00006; gnomAD 0.00001; ExAC 0.00002; ESP Exome Variant Server 0.00008.
gnomAD v4.1: 60 of 1,613,896 alleles (0.0037%); highest among the groups gnomAD compares: Middle Eastern, 0.033%; no homozygotes.

Submissions (3):

Labcorp Genetics (formerly Invitae), Labcorp
Classification: Likely pathogenic for Developmental and epileptic encephalopathy 94. Last evaluated: 2025-01-30. Review status: criteria provided, single submitter. Criteria: Invitae Variant Classification Sherloc (09022015). Collection method: clinical testing. Allele origin: germline.
Comment: This sequence change replaces glycine, which is neutral and non-polar, with glutamic acid, which is acidic and polar, at codon 1676 of the CHD2 protein (p.Gly1676Glu). This variant is present in population databases (rs150951454, gnomAD 0.01%). This missense change has been observed in individual(s) with clinical features of CHD2-related conditions (internal data). In at least one individual the variant was observed to be de novo. ClinVar contains an entry for this variant (Variation ID: 940592). Invitae Evidence Modeling of protein sequence and biophysical properties (such as structural, functional, and spatial information, amino acid conservation, physicochemical variation, residue mobility, and thermodynamic stability) indicates that this missense variant is not expected to disrupt CHD2 protein function with a negative predictive value of 95%. In summary, the currently available evidence indicates that the variant is pathogenic, but additional data are needed to prove that conclusively. Therefore, this variant has been classified as Likely Pathogenic.

Lifecell International Pvt. Ltd
Classification: Likely pathogenic for Developmental and epileptic encephalopathy 94. Review status: criteria provided, single submitter. Criteria: ACMG Guidelines, 2015. Collection method: clinical testing. Allele origin: germline. Inheritance: Autosomal dominant inheritance. Affected: yes. Observed: 1 heterozygote.
Comment: A Heterozygous Missense variant c.5027G>A in Exon 38 of the CHD2 gene that results in the amino acid substitution p.Gly1676Glu was identified. The observed variant has a minor allele frequency of 0.00003/0.00003 in gnomAD exomes and genomes, respectively. The severity of the impact of this variant on the protein is medium, based on the effect of the protein and REVEL score . Rare Exome Variant Ensemble Learner (REVEL) is an ensembl method for predicting the pathogenicity of missense variants based on a combination of scores from 13 individual tools: MutPred, FATHMM v2.3, VEST 3.0, PolyPhen-2, SIFT, PROVEAN, MutationAssessor, MutationTaster, LRT, GERP++, SiPhy, phyloP, and phastCons. The REVEL score for an individual missense variant can range from 0 to 1, with higher scores reflecting greater likelihood that the variant is disease-causing. ClinVar has also classified this variant as LikelyPathogenic [Variant ID : 940592]. For these reasons this variant has been classified as Likely Pathogenic.

Hong-Tao Li Lab, Institute of Brain Science and Brain-inspired Research, Shandong First Medical University & Shandong Academy of Medical Sciences China
Classification: Likely pathogenic for Developmental and epileptic encephalopathy 94. Review status: no assertion criteria provided. Collection method: research. Allele origin: germline. Inheritance: Autosomal dominant inheritance. Affected: yes. Observed: 1 variant allele, 1 heterozygote. Not counted in ClinVar's aggregate classification.
Comment: Observed in affected individuals from a Pakistani neurodevelopmental-disorder research cohort of 263 individuals. Classification assigned using the ACMG/AMP framework. Population-frequency evidence: gnomAD AF 3.718e-05.